The following is an entry in ClinVar:

ClinVar aggregate classification (germline): Likely pathogenic. Review status: criteria provided, single submitter (1 of 4 stars). 3 submissions from 3 submitters: Likely pathogenic (1). 2 of the submissions do not count toward it. Last evaluated 2020-01-07.

Conditions:
Stargardt disease (FFM). Also called: Stargardt's disease; Fundus flavimaculatus. Identifiers: Orphanet 827, MedGen C0271093, MONDO:0019353.
Retinal dystrophy. Also called: Inherited retinal dystrophy. Identifiers: Orphanet 71862, MedGen C0854723, MeSH D058499, MONDO:0019118, HP:0000556.

Submissions (3):

NEI Ophthalmic Genomics Laboratory, National Institutes of Health
Classification: Likely pathogenic for Stargardt disease. Last evaluated: 2020-01-07. Review status: criteria provided, single submitter. Criteria: ACMG Guidelines, 2015. Collection method: clinical testing. Allele origin: germline. Affected: yes.
Comment: The variant NM_000322.4:c.478C>T in the PRPH2 gene has been previously studied(PMID 30718709). This variant is listed in dbSNP and/or HGMD (CM192562). It is absent in gnomAD browser. It is not enriched in the PRPH2 disease cohort. We invoked ACMG criteria [PVS1, PM2] and classified NM_000322.4:c.478C>T in the PRPH2 gene as a Likely Pathogenic mutation.

Leiden Open Variation Database
Classification: Pathogenic. Last evaluated: 2021-04-06. Review status: no assertion criteria provided. Collection method: curation. Allele origin: germline. Affected: yes. Not counted in ClinVar's aggregate classification.
Comment: Curator: Global Variome, with Curator vacancy. Submitter to LOVD: Manon Peeters.

Department of Clinical Genetics, Copenhagen University Hospital, Rigshospitalet
Classification: Likely pathogenic for Retinal dystrophy. Last evaluated: 2018-04-01. Review status: no assertion criteria provided. Collection method: research. Allele origin: unknown. Affected: yes. Study: VeluxRD. Not counted in ClinVar's aggregate classification.

Literature cited by the submitters: PubMed 30718709 (cited by Leiden Open Variation Database and Department of Clinical Genetics, Copenhagen University Hospital, Rigshospitalet); PubMed 32531846 (cited by Leiden Open Variation Database).

NM_000322.5(PRPH2):c.478C>T (p.Gln160Ter)

Gene: PRPH2 (peripherin 2; minus strand). Cytogenetic location: 6p21.1.
Variant type: single nucleotide variant.
Coding change: c.478C>T on transcript NM_000322.5 (MANE Select); coding-DNA position 478, C replaced by T.
Protein change: p.Gln160Ter; replaces glutamine 160 with a stop codon.
Molecular consequence: nonsense.
Genome position (GRCh38, 1-based): chr6:42,721,857, G>A on the plus strand (C>T on the coding strand, the complement: PRPH2 is on the minus strand). VCF-style: chr6-42721857-G-A. GRCh37 (hg19) VCF-style: chr6-42689595-G-A.
Other names: short protein forms Q160*.
Identifiers: ClinVar variation 636074 (VCV000636074.4), dbSNP rs1582780550, ClinGen allele CA364137468.